The following is an entry in ClinVar:

NM_005751.5(AKAP9):c.1928A>T (p.Asp643Val)

Gene: AKAP9 (A-kinase anchoring protein 9; plus strand). Cytogenetic location: 7q21.2.
Variant type: single nucleotide variant.
Coding change: c.1928A>T on transcript NM_005751.5 (MANE Select); coding-DNA position 1928, A replaced by T.
Protein change: p.Asp643Val; replaces aspartic acid 643 with valine.
Molecular consequence: missense variant.
Genome position (GRCh38, 1-based): chr7:92,001,845, A>T. VCF-style: chr7-92001845-A-T. GRCh37 (hg19) VCF-style: chr7-91631159-A-T.
Other names: c.1928A>T, p.Asp643Val (NM_147185.3); short protein forms D643V.
Identifiers: ClinVar variation 2724684 (VCV002724684.4), dbSNP rs763664936, ClinGen allele CA4336072.
Genomic context (GRCh38, chr7:92,001,845, plus strand): 5'-AGAGGCTGAGAACACAGCTTCTATTTAGTCACGAAGAAGAGCTTTCCAAACTGAAGGAAG[A>T]TTTAGAAATTGAACATCGAATAAATATTGAAAAACTTAAAGATAATTTAGGCATTCACTA-3'
Protein context (NP_005742.4, residues 633-653): HEEELSKLKE[Asp643Val]LEIEHRINIE

ClinVar aggregate classification (germline): Uncertain significance. Review status: criteria provided, multiple submitters, no conflicts (2 of 4 stars). 2 submissions from 2 submitters: Uncertain significance (2). Last evaluated 2024-09-15.

Conditions:
Cardiovascular phenotype. Identifiers: MedGen CN230736.
Long QT syndrome (LQTS). Identifiers: MedGen C0023976, MeSH D008133, MONDO:0002442. Disease mechanism: loss of function. Inheritance: Various modes of inheritance.

Allele frequency attached by ClinVar (database versions not stated): gnomAD 0.00001; ExAC 0.00003.
gnomAD v4.1: 16 of 1,613,342 alleles (0.00099%); highest among the groups gnomAD compares: Middle Eastern, 0.016%; no homozygotes.

Submissions (2):

Ambry Genetics
Classification: Uncertain significance for Cardiovascular phenotype. Last evaluated: 2024-09-15. Review status: criteria provided, single submitter. Criteria: Ambry Variant Classification Scheme 2023. Collection method: clinical testing. Allele origin: germline.
Comment: The p.D643V variant (also known as c.1928A>T), located in coding exon 8 of the AKAP9 gene, results from an A to T substitution at nucleotide position 1928. The aspartic acid at codon 643 is replaced by valine, an amino acid with highly dissimilar properties. This amino acid position is conserved. In addition, the in silico prediction for this alteration is inconclusive. Based on the available evidence, the clinical significance of this variant remains unclear.

Labcorp Genetics (formerly Invitae), Labcorp
Classification: Uncertain significance for Long QT syndrome. Last evaluated: 2023-03-30. Review status: criteria provided, single submitter. Criteria: Invitae Variant Classification Sherloc (09022015). Collection method: clinical testing. Allele origin: germline.
Comment: In summary, the available evidence is currently insufficient to determine the role of this variant in disease. Therefore, it has been classified as a Variant of Uncertain Significance. An algorithm developed to predict the effect of missense changes on protein structure and function (PolyPhen-2) suggests that this variant is likely to be disruptive. This variant has not been reported in the literature in individuals affected with AKAP9-related conditions. This variant is present in population databases (rs763664936, gnomAD 0.004%). This sequence change replaces aspartic acid, which is acidic and polar, with valine, which is neutral and non-polar, at codon 643 of the AKAP9 protein (p.Asp643Val).